The following is an entry in ClinVar:

NM_006767.4(LZTR1):c.1936del (p.Asp646fs)

Gene: LZTR1 (leucine zipper like post translational regulator 1; plus strand). Cytogenetic location: 22q11.21.
Variant type: Deletion.
Coding change: c.1936del on transcript NM_006767.4 (MANE Select); coding-DNA position 1936, one base deleted (G; older notation c.1936delG).
Protein change: p.Asp646fs; shifts the reading frame from aspartic acid 646.
Molecular consequence: frameshift variant.
Genome position (GRCh38, 1-based): chr22:20,995,020, G deleted; the last of 2 consecutive G bases (chr22:20,995,019-20,995,020); deleting either gives the same sequence. VCF-style (leftmost placement, unchanged base first): chr22-20995018-TG-T. GRCh37 (hg19) VCF-style: chr22-21349307-TG-T.
Other names: short protein forms D646fs.
Identifiers: ClinVar variation 4082393 (VCV004082393.1).

ClinVar aggregate classification (germline): Likely pathogenic (1 of 4 stars; one submission).

Conditions:
Hereditary breast ovarian cancer syndrome. Also called: BRCA1- and BRCA2-Associated Hereditary Breast and Ovarian Cancer; Hereditary breast and ovarian cancer; Hereditary breast and ovarian cancer syndrome (HBOC); Hereditary breast and/or ovarian cancer syndrome; Hereditary breast and ovarian cancer syndrome; Breast and ovarian cancer. Identifiers: Orphanet 145, MedGen C0677776, MeSH D061325, MONDO:0003582. Disease mechanism: loss of function.

Submission:

Genetics and Personalized Medicine Clinic, Tartu University Hospital
Classification: Likely pathogenic for Hereditary breast ovarian cancer syndrome. Last evaluated: 2023-01-01. Review status: criteria provided, single submitter. Criteria: ACMG Guidelines, 2015. Collection method: clinical testing. Allele origin: germline. Affected: yes. Observed: 1 variant allele.
Comment: This deletion causes a frameshift p.Asp646Thrfs*6, predicted to result in premature truncation and nonsense-mediated decay. LZTR1 loss-of-function is implicated in tumor predisposition syndromes, and emerging evidence suggests a possible role in cancer susceptibility (PVS1).